The following is an entry in ClinVar:

ClinVar aggregate classification (germline): Uncertain significance (1 of 4 stars; one submission).

Conditions:
Hypertrophic cardiomyopathy 14. Identifiers: MedGen C2750467, MONDO:0013197, OMIM 613251.

Allele frequency attached by ClinVar (database versions not stated): gnomAD exomes below 0.00001; TOPMed below 0.00001.
gnomAD v4.1: 4 of 1,613,958 alleles (0.00025%); highest among the groups gnomAD compares: Non-Finnish European, 0.00034%; no homozygotes.

Submission:

Labcorp Genetics (formerly Invitae), Labcorp
Classification: Uncertain significance for Hypertrophic cardiomyopathy 14. Last evaluated: 2020-07-16. Review status: criteria provided, single submitter. Criteria: Invitae Variant Classification Sherloc (09022015). Collection method: clinical testing. Allele origin: germline.
Comment: In summary, the available evidence is currently insufficient to determine the role of this variant in disease. Therefore, it has been classified as a Variant of Uncertain Significance. Algorithms developed to predict the effect of missense changes on protein structure and function are either unavailable or do not agree on the potential impact of this missense change (SIFT: "Deleterious"; PolyPhen-2: "Probably Damaging"; Align-GVGD: "Class C0"). This variant has not been reported in the literature in individuals with MYH6-related conditions. This variant is not present in population databases (ExAC no frequency). This sequence change replaces glutamic acid with glycine at codon 536 of the MYH6 protein (p.Glu536Gly). The glutamic acid residue is weakly conserved and there is a moderate physicochemical difference between glutamic acid and glycine.

NM_002471.4(MYH6):c.1607A>G (p.Glu536Gly)

Gene: MYH6 (myosin heavy chain 6; minus strand). Cytogenetic location: 14q11.2.
Variant type: single nucleotide variant.
Coding change: c.1607A>G on transcript NM_002471.4 (MANE Select); coding-DNA position 1607, A replaced by G.
Protein change: p.Glu536Gly; replaces glutamic acid 536 with glycine.
Molecular consequence: missense variant.
Genome position (GRCh38, 1-based): chr14:23,399,012, T>C on the plus strand (A>G on the coding strand, the complement: MYH6 is on the minus strand). VCF-style: chr14-23399012-T-C. GRCh37 (hg19) VCF-style: chr14-23868221-T-C.
Other names: short protein forms E536G.
Identifiers: ClinVar variation 1015605 (VCV001015605.8), dbSNP rs1891517653, ClinGen allele CA389021081.
Genomic context (GRCh38, chr14:23,399,012, plus strand): 5'-TTGTCGTACAGCTTGGCCTTGAAGGTCATGTCAGTGGCCTTGGGGAACATGCACTCCTCC[T>C]CCAGGATGGACATGATGCCCATGGGCTGAGGGCAGGGTGAAGAGGCAAAGAGAGAATCAC-3'
Protein context (NP_002462.2, residues 526-546): EKPMGIMSIL[Glu536Gly]EECMFPKATD